The following is an entry in ClinVar:

NM_001384140.1(PCDH15):c.2884C>T (p.Arg962Cys)

Gene: PCDH15 (protocadherin related 15; minus strand). Cytogenetic location: 10q21.1.
Variant type: single nucleotide variant.
Coding change: c.2884C>T on transcript NM_001384140.1 (MANE Select); coding-DNA position 2884, C replaced by T.
Protein change: p.Arg962Cys; replaces arginine 962 with cysteine.
Molecular consequence: missense variant.
Genome position (GRCh38, 1-based): chr10:53,961,877, G>A on the plus strand (C>T on the coding strand, the complement: PCDH15 is on the minus strand). VCF-style: chr10-53961877-G-A. GRCh37 (hg19) VCF-style: chr10-55721637-G-A.
Other names: c.2899C>T, p.Arg967Cys (NM_001142763.2, NM_001142771.2); c.2884C>T, p.Arg962Cys (NM_001142764.2, NM_001142766.2, NM_001142770.3 and 4 more transcripts); c.2671C>T, p.Arg891Cys (NM_001142765.2); c.2773C>T, p.Arg925Cys (NM_001142767.2); c.2818C>T, p.Arg940Cys (NM_001142768.2, NM_001142773.2, NM_001354404.2); c.2920C>T, p.Arg974Cys (NM_001142769.4); c.2905C>T, p.Arg969Cys (NM_001354411.2); short protein forms R962C, R925C, R969C, R967C, R974C, R891C, R940C.
Identifiers: ClinVar variation 164914 (VCV000164914.33), dbSNP rs201816080, ClinGen allele CA177588.

ClinVar aggregate classification (germline): Conflicting classifications of pathogenicity. Review status: criteria provided, conflicting classifications (1 of 4 stars). 11 submissions from 11 submitters: Uncertain significance (1); Benign (3); Likely benign (3). 4 of the submissions do not count toward it. Last evaluated 2026-02-04.

Conditions:
PCDH15-related disorder. Also called: PCDH15-related condition; PCDH15-related disorders.
Usher syndrome type 1 (USH1). Also called: RETINITIS PIGMENTOSA AND CONGENITAL DEAFNESS. Identifiers: Orphanet 231169, Orphanet 886, MedGen C1568247, MONDO:0010168, OMIM 276900.
Usher syndrome type 1F (USH1F). Also called: USHER SYNDROME, TYPE IF. Identifiers: Orphanet 231169, Orphanet 886, MedGen C1865885, MONDO:0011186, OMIM 602083.

Allele frequency attached by ClinVar (database versions not stated): gnomAD 0.00039 and 0.00048; TOPMed 0.00050; ExAC 0.00090; gnomAD exomes 0.00092; 1000 Genomes Project 30x 0.00125; 1000 Genomes Project 0.00140.
gnomAD v4.1: 452 of 1,608,478 alleles (0.028%); highest among the groups gnomAD compares: East Asian, 0.82%; no homozygotes.

Submissions (11):

Labcorp Genetics (formerly Invitae), Labcorp
Classification: Benign. Last evaluated: 2026-02-04. Review status: criteria provided, single submitter. Criteria: Invitae Variant Classification Sherloc (09022015). Collection method: clinical testing. Allele origin: germline.

CeGaT Center for Human Genetics Tuebingen
Classification: Likely benign. Last evaluated: 2025-12-01. Review status: criteria provided, single submitter. Criteria: CeGaT Center For Human Genetics Tuebingen Variant Classification Criteria Version 2. Collection method: clinical testing. Allele origin: germline. Affected: yes. Observed: 1 variant allele.
Comment: PCDH15: BP4

Blueprint Genetics
Classification: Likely benign. Last evaluated: 2024-11-21. Review status: criteria provided, single submitter. Criteria: ACMG Guidelines, 2015. Collection method: clinical testing. Allele origin: germline.

GeneDx
Classification: Uncertain significance. Last evaluated: 2020-11-04. Review status: criteria provided, single submitter. Criteria: GeneDx Variant Classification Process June 2021. Collection method: clinical testing. Allele origin: germline. Affected: yes.
Comment: In silico analysis supports that this missense variant has a deleterious effect on protein structure/function; This variant is associated with the following publications: (PMID: 26047050, 29625443, 30245029, 23967202, 31180159)

Mendelics
Classification: Benign for Usher syndrome type 1F. Last evaluated: 2019-05-28. Review status: criteria provided, single submitter. Criteria: Mendelics Assertion Criteria 2017. Collection method: clinical testing. Allele origin: unknown.

Illumina Laboratory Services, Illumina
Classification: Likely benign for Usher syndrome type 1. Last evaluated: 2018-01-12. Review status: criteria provided, single submitter. Criteria: ICSL Variant Classification Criteria 13 December 2019. Collection method: clinical testing. Allele origin: germline.
Comment: This variant was observed in the ICSL laboratory as part of a predisposition screen in an ostensibly healthy population. It had not been previously curated by ICSL or reported in the Human Gene Mutation Database (HGMD: prior to June 1st, 2018), and was therefore a candidate for classification through an automated scoring system. Utilizing variant allele frequency, disease prevalence and penetrance estimates, and inheritance mode, an automated score was calculated to assess if this variant is too frequent to cause the disease. Based on the score and internal cut-off values, a variant classified as likely benign is not then subjected to further curation. The score for this variant resulted in a classification of likely benign for this disease.

Laboratory for Molecular Medicine, Mass General Brigham Personalized Medicine
Classification: Benign. Last evaluated: 2015-02-26. Review status: criteria provided, single submitter. Criteria: LMM Criteria. Collection method: clinical testing. Allele origin: germline. Observed: 4 variant alleles.
Comment: p.Arg962Cys in exon 22 of PCDH15: This variant is not expected to have clinical significance because it has been identified in 1.2% (101/8646) of East Asian chr omosomes by the Exome Aggregation Consortium (ExAC, rg; dbSNP rs201816080). In addition, arginine (Arg) at position 962 is not well conserved across species and two variants (p.Arg962His and p.Arg962Leu) at the s ame position have been classified as benign or likely benign.

PreventionGenetics, part of Exact Sciences
Classification: Likely benign for PCDH15-related condition. Last evaluated: 2024-07-09. Review status: no assertion criteria provided. Collection method: clinical testing. Allele origin: germline. Not counted in ClinVar's aggregate classification.
Comment: This variant is classified as likely benign based on ACMG/AMP sequence variant interpretation guidelines (Richards et al. 2015 PMID: 25741868, with internal and published modifications).

Natera, Inc.
Classification: Likely benign for Usher syndrome type 1F. Last evaluated: 2020-04-23. Review status: no assertion criteria provided. Collection method: clinical testing. Allele origin: germline. Not counted in ClinVar's aggregate classification.

Clinical Genetics DNA and cytogenetics Diagnostics Lab, Erasmus MC, Erasmus Medical Center
Classification: Likely benign. Review status: no assertion criteria provided. Collection method: clinical testing. Allele origin: germline. Affected: yes. Study: VKGL Data-share Consensus. Not counted in ClinVar's aggregate classification.

Clinical Genetics, Academic Medical Center
Classification: Likely benign. Review status: no assertion criteria provided. Collection method: clinical testing. Allele origin: germline. Affected: yes. Study: VKGL Data-share Consensus. Not counted in ClinVar's aggregate classification.

Literature cited by the submitters: PubMed 23967202 (cited by Laboratory for Molecular Medicine, Mass General Brigham Personalized Medicine).